The following is an entry in ClinVar:

NM_000260.4(MYO7A):c.3375+33G>C

Gene: MYO7A (myosin VIIA; plus strand). Cytogenetic location: 11q13.5.
Variant type: single nucleotide variant.
Coding change: c.3375+33G>C on transcript NM_000260.4 (MANE Select); 33 bases into the intron after coding-DNA position 3375, G replaced by C.
Molecular consequence: intron variant.
Genome position (GRCh38, 1-based): chr11:77,183,190, G>C. VCF-style: chr11-77183190-G-C. GRCh37 (hg19) VCF-style: chr11-76894235-G-C.
Other names: c.3342+33G>C (NM_001369365.1); c.3375+33G>C (NM_001127180.2).
Identifiers: ClinVar variation 255662 (VCV000255662.6), dbSNP rs948972, ClinGen allele CA6198040.

ClinVar aggregate classification (germline): Benign. Review status: criteria provided, multiple submitters, no conflicts (2 of 4 stars). 6 submissions from 4 submitters: Benign (6). Last evaluated 2021-07-01.

Conditions:
Usher syndrome type 1 (USH1). Also called: RETINITIS PIGMENTOSA AND CONGENITAL DEAFNESS. Identifiers: Orphanet 231169, Orphanet 886, MedGen C1568247, MONDO:0010168, OMIM 276900.
Autosomal dominant nonsyndromic hearing loss 11. Identifiers: Orphanet 90635, MedGen C1832475, MONDO:0011032, OMIM 601317.
Autosomal recessive nonsyndromic hearing loss 2. Also called: DEAFNESS, AUTOSOMAL RECESSIVE 2; NEUROSENSORY NONSYNDROMIC RECESSIVE DEAFNESS 2. Identifiers: Orphanet 90636, MedGen C1838701, MONDO:0010807, OMIM 600060.

Allele frequency attached by ClinVar (database versions not stated): ESP Exome Variant Server 0.61907; 1000 Genomes Project 0.55511; 1000 Genomes Project 30x 0.56262; TOPMed 0.60591.
gnomAD v4.1: 853,862 of 1,542,458 alleles (55%); highest among the groups gnomAD compares: African/African-American, 71%; 239,865 homozygotes.

Submissions (6):

Genome-Nilou Lab
Classification: Benign for Autosomal dominant nonsyndromic hearing loss 11. Last evaluated: 2021-07-01. Review status: criteria provided, single submitter. Criteria: ACMG Guidelines, 2015. Collection method: clinical testing. Allele origin: germline. Affected: no.

Genome-Nilou Lab
Classification: Benign for Autosomal recessive nonsyndromic hearing loss 2. Last evaluated: 2021-07-01. Review status: criteria provided, single submitter. Criteria: ACMG Guidelines, 2015. Collection method: clinical testing. Allele origin: germline. Affected: no.

Genome-Nilou Lab
Classification: Benign for Usher syndrome type 1. Last evaluated: 2021-07-01. Review status: criteria provided, single submitter. Criteria: ACMG Guidelines, 2015. Collection method: clinical testing. Allele origin: germline. Affected: no.

GeneDx
Classification: Benign. Last evaluated: 2018-06-13. Review status: criteria provided, single submitter. Criteria: GeneDx Variant Classification (06012015). Collection method: clinical testing. Allele origin: germline. Affected: yes.
Comment: This variant is considered likely benign or benign based on one or more of the following criteria: it is a conservative change, it occurs at a poorly conserved position in the protein, it is predicted to be benign by multiple in silico algorithms, and/or has population frequency not consistent with disease.

Breakthrough Genomics
Classification: Benign. Review status: criteria provided, single submitter. Criteria: ACMG Guidelines, 2015. Collection method: not provided. Allele origin: germline. Inheritance: Autosomal recessive inheritance. Affected: yes.

PreventionGenetics, part of Exact Sciences
Classification: Benign. Review status: criteria provided, single submitter. Criteria: ACMG Guidelines, 2015. Collection method: clinical testing. Allele origin: germline.